The following is an entry in ClinVar:

ClinVar aggregate classification (germline): Conflicting classifications of pathogenicity. Review status: criteria provided, conflicting classifications (1 of 4 stars). 6 submissions from 6 submitters: Uncertain significance (2); Likely benign (4). Last evaluated 2026-06-15.

Conditions:
DNMT1-related disorder. Also called: DNMT1-related condition. Identifiers: MedGen CN381527.
Inborn genetic diseases. Identifiers: MedGen C0950123, MeSH D030342.
Hereditary sensory neuropathy-deafness-dementia syndrome. Also called: HSN IE; Hereditary sensory neuropathy type IE; Hereditary Sensory and Autonomic Neuropathy Type 1E (HSAN1E); NEUROPATHY, HEREDITARY SENSORY, WITH HEARING LOSS AND DEMENTIA. Identifiers: Orphanet 456318, MedGen C3279885, MONDO:0013584, OMIM 614116.

Allele frequency attached by ClinVar (database versions not stated): gnomAD 0.00001 and 0.00002; TOPMed 0.00004; gnomAD exomes 0.00005.
gnomAD v4.1: 61 of 1,605,396 alleles (0.0038%); highest among the groups gnomAD compares: Admixed American, 0.014%; no homozygotes.

Submissions (6):

PreventionGenetics, part of Exact Sciences
Classification: Uncertain significance for DNMT1-related condition. Last evaluated: 2026-06-15. Review status: criteria provided, single submitter. Criteria: ACMG Guidelines, 2015. Collection method: clinical testing. Allele origin: germline.
Comment: The DNMT1 c.1064G>A variant is predicted to result in the amino acid substitution p.Arg355His. To our knowledge, this variant has not been reported in the literature. This variant is reported in 0.023% of alleles in individuals of Latino descent in gnomAD. Although we suspect that this variant may be benign, at this time, the clinical significance of this variant is uncertain due to the absence of conclusive functional and genetic evidence.

CeGaT Center for Human Genetics Tuebingen
Classification: Likely benign. Last evaluated: 2026-06-01. Review status: criteria provided, single submitter. Criteria: CeGaT Center For Human Genetics Tuebingen Variant Classification Criteria Version 2. Collection method: clinical testing. Allele origin: germline. Affected: yes. Observed: 1 variant allele.
Comment: DNMT1: BP4

Women's Health and Genetics/Laboratory Corporation of America, LabCorp
Classification: Likely benign. Last evaluated: 2025-12-30. Review status: criteria provided, single submitter. Criteria: LabCorp Variant Classification Summary - May 2015. Collection method: clinical testing. Allele origin: germline.
Comment: Variant summary: DNMT1 c.1064G>A (p.Arg355His) results in a non-conservative amino acid change in the encoded protein sequence. Algorithms developed to predict the effect of missense changes on protein structure and function are either unavailable or do not agree on the potential impact of this missense change. The variant allele was found at a frequency of 4.9e-05 in 244736 control chromosomes. The observed variant frequency exceeds the estimated maximal expected allele frequency for disease-causing variants in DNMT1. To our knowledge, no occurrence of c.1064G>A in individuals affected with DNMT1-related conditions and no experimental evidence demonstrating its impact on protein function have been reported. ClinVar contains an entry for this variant (Variation ID: 539600). Based on the evidence outlined above, the variant was classified as likely benign.

Labcorp Genetics (formerly Invitae), Labcorp
Classification: Uncertain significance for Hereditary sensory neuropathy-deafness-dementia syndrome. Last evaluated: 2024-06-02. Review status: criteria provided, single submitter. Criteria: Invitae Variant Classification Sherloc (09022015). Collection method: clinical testing. Allele origin: germline.
Comment: This sequence change replaces arginine, which is basic and polar, with histidine, which is basic and polar, at codon 355 of the DNMT1 protein (p.Arg355His). This variant is present in population databases (rs201945078, gnomAD 0.02%). This variant has not been reported in the literature in individuals affected with DNMT1-related conditions. ClinVar contains an entry for this variant (Variation ID: 539600). Advanced modeling of protein sequence and biophysical properties (such as structural, functional, and spatial information, amino acid conservation, physicochemical variation, residue mobility, and thermodynamic stability) performed at Invitae indicates that this missense variant is not expected to disrupt DNMT1 protein function with a negative predictive value of 80%. In summary, the available evidence is currently insufficient to determine the role of this variant in disease. Therefore, it has been classified as a Variant of Uncertain Significance.

Ambry Genetics
Classification: Likely benign for Inborn genetic diseases. Last evaluated: 2021-05-11. Review status: criteria provided, single submitter. Criteria: Ambry Variant Classification Scheme 2023. Collection method: clinical testing. Allele origin: germline.

GeneDx
Classification: Likely benign. Last evaluated: 2020-03-12. Review status: criteria provided, single submitter. Criteria: GeneDx Variant Classification Process June 2021. Collection method: clinical testing. Allele origin: germline. Affected: yes.

NM_001130823.3(DNMT1):c.1064G>A (p.Arg355His)

Gene: DNMT1 (DNA methyltransferase 1; minus strand). Cytogenetic location: 19p13.2.
Variant type: single nucleotide variant.
Coding change: c.1064G>A on transcript NM_001130823.3 (MANE Select); coding-DNA position 1064, G replaced by A.
Protein change: p.Arg355His; replaces arginine 355 with histidine.
Molecular consequence: missense variant.
Genome position (GRCh38, 1-based): chr19:10,160,043, C>T on the plus strand (G>A on the coding strand, the complement: DNMT1 is on the minus strand). VCF-style: chr19-10160043-C-T. GRCh37 (hg19) VCF-style: chr19-10270719-C-T.
Other names: c.1016G>A, p.Arg339His (NM_001318730.2, NM_001379.4); c.701G>A, p.Arg234His (NM_001318731.2); c.1064G>A (NM_001130823.2, LRG_362t1); short protein forms R355H, R234H, R339H.
Identifiers: ClinVar variation 539600 (VCV000539600.17), dbSNP rs201945078, ClinGen allele CA9188409.